The following is an entry in ClinVar:

NM_004655.4(AXIN2):c.1096G>A (p.Glu366Lys)

Gene: AXIN2 (axin 2; minus strand). Cytogenetic location: 17q24.1.
Variant type: single nucleotide variant.
Coding change: c.1096G>A on transcript NM_004655.4 (MANE Select); coding-DNA position 1096, G replaced by A.
Protein change: p.Glu366Lys; replaces glutamic acid 366 with lysine.
Molecular consequence: missense variant.
Genome position (GRCh38, 1-based): chr17:65,538,307, C>T on the plus strand (G>A on the coding strand, the complement: AXIN2 is on the minus strand). VCF-style: chr17-65538307-C-T. GRCh37 (hg19) VCF-style: chr17-63534425-C-T.
Other names: c.1096G>A, p.Glu366Lys (NM_001363813.1); short protein forms E366K.
Identifiers: ClinVar variation 2128320 (VCV002128320.4), dbSNP rs2544182905, ClinGen allele CA400678498.
Genomic context (GRCh38, chr17:65,538,307, plus strand): 5'-CCAACTCCAGCTTCAGCTTTTCCAGCCTCGAGATCAGCTCAGCTGCAAAGGTGGCGGGTT[C>T]CACGGGGGTCATCTCCTTGGGCAGGCGGTGGGTTCTCTACAGGACGTGGAAAGGAAAGGG-3'
Protein context (NP_004646.3, residues 356-376): HRLPKEMTPV[Glu366Lys]PATFAAELIS

ClinVar aggregate classification (germline): Uncertain significance (1 of 4 stars; one submission).

Conditions:
Oligodontia-cancer predisposition syndrome. Also called: TOOTH AGENESIS-COLORECTAL CANCER SYNDROME. Identifiers: Orphanet 300576, MedGen C1837750, MONDO:0012075, OMIM 608615. Disease mechanism: loss of function.

Submission:

Labcorp Genetics (formerly Invitae), Labcorp
Classification: Uncertain significance for Oligodontia-cancer predisposition syndrome. Last evaluated: 2022-04-20. Review status: criteria provided, single submitter. Criteria: Invitae Variant Classification Sherloc (09022015). Collection method: clinical testing. Allele origin: germline.
Comment: This sequence change replaces glutamic acid, which is acidic and polar, with lysine, which is basic and polar, at codon 366 of the AXIN2 protein (p.Glu366Lys). In summary, the available evidence is currently insufficient to determine the role of this variant in disease. Therefore, it has been classified as a Variant of Uncertain Significance. Algorithms developed to predict the effect of missense changes on protein structure and function (SIFT, PolyPhen-2, Align-GVGD) all suggest that this variant is likely to be tolerated. This variant has not been reported in the literature in individuals affected with AXIN2-related conditions. This variant is not present in population databases (gnomAD no frequency).